The following is an entry in ClinVar:

NM_001127208.3(TET2):c.4583C>G (p.Pro1528Arg)

Genes: TET2 (tet methylcytosine dioxygenase 2; plus strand), TET2-AS1 (TET2 antisense RNA 1; minus strand). Cytogenetic location: 4q24.
Variant type: single nucleotide variant.
Coding change: c.4583C>G on transcript NM_001127208.3 (MANE Select); coding-DNA position 4583, C replaced by G.
Protein change: p.Pro1528Arg; replaces proline 1528 with arginine.
Molecular consequence: missense variant.
Genome position (GRCh38, 1-based): chr4:105,275,093, C>G. VCF-style: chr4-105275093-C-G. GRCh37 (hg19) VCF-style: chr4-106196250-C-G.
Other names: short protein forms P1528R.
Identifiers: ClinVar variation 4726014 (VCV004726014.1).

ClinVar aggregate classification (germline): Uncertain significance (1 of 4 stars; one submission).

Submission:

Labcorp Genetics (formerly Invitae), Labcorp
Classification: Uncertain significance. Last evaluated: 2025-08-25. Review status: criteria provided, single submitter. Criteria: Invitae Variant Classification Sherloc (09022015). Collection method: clinical testing. Allele origin: germline.
Comment: This sequence change replaces proline, which is neutral and non-polar, with arginine, which is basic and polar, at codon 1528 of the TET2 protein (p.Pro1528Arg). This variant is not present in population databases (gnomAD no frequency). This variant has not been reported in the literature in individuals affected with TET2-related conditions. An algorithm developed to predict the effect of missense changes on protein structure and function (PolyPhen-2) suggests that this variant is likely to be tolerated. In summary, the available evidence is currently insufficient to determine the role of this variant in disease. Therefore, it has been classified as a Variant of Uncertain Significance.